The following is an entry in ClinVar:

ClinVar aggregate classification (germline): Conflicting classifications of pathogenicity. Review status: criteria provided, conflicting classifications (1 of 4 stars). 9 submissions from 8 submitters: Uncertain significance (6); Benign (1). 2 of the submissions do not count toward it. Last evaluated 2026-08-19.

Conditions:
Inborn genetic diseases. Identifiers: MedGen C0950123, MeSH D030342.
Familial hyperthyroidism due to mutations in TSH receptor. Also called: TOXIC THYROID HYPERPLASIA, AUTOSOMAL DOMINANT; HYPERTHYROIDISM, CONGENITAL NONAUTOIMMUNE; HYPERTHYROIDISM, NONAUTOIMMUNE, AUTOSOMAL DOMINANT. Identifiers: Orphanet 424, MedGen C1836706, MONDO:0012203, OMIM 609152.
Hypothyroidism due to TSH receptor mutations. Also called: HYPOTHYROIDISM DUE TO UNRESPONSIVENESS TO THYROTROPIN; HYPOTHYROIDISM, CONGENITAL, DUE TO TSH RESISTANCE; HYPOTHYROIDISM, NONAUTOIMMUNE; THYROID-STIMULATING HORMONE, RESISTANCE TO; TSH RESISTANCE; Hypothyroidism, congenital, nongoitrous, 1. Identifiers: Orphanet 90673, MedGen C3493776, MONDO:0010142, OMIM 275200.

Allele frequency attached by ClinVar (database versions not stated): gnomAD exomes 0.00021 and 0.00028; TOPMed 0.00032; ESP Exome Variant Server 0.00038; 1000 Genomes Project 0.00020; gnomAD 0.00023 and 0.00025; ExAC 0.00019; 1000 Genomes Project 30x 0.00016.
gnomAD v4.1: 443 of 1,614,218 alleles (0.027%); highest among the groups gnomAD compares: Admixed American, 0.042%; 2 homozygotes.

Submissions (9):

GeneDx
Classification: Uncertain significance. Last evaluated: 2026-08-19. Review status: criteria provided, single submitter. Criteria: GeneDx Variant Classification Process June 2021. Collection method: clinical testing. Allele origin: germline.
Comment: Identified in multiple unrelated patients with hypothyroidism in published literature, however the variant was also reported in family members with normal thyroid function and a GNAS variant was also report in one family (PMID: 16060907, 18727713, 21186955); Published functional studies demonstrate a damaging effect with lower cAMP response to thyroid stimulating hormone (TSH) and a lower TSH binding capacity (PMID: 21186955, 18727713); In silico analysis suggests that this missense variant does not alter protein structure/function; This variant is associated with the following publications: (PMID: 18727713, 34919466, 33446056, 17705697, 30372544, 29237690, 32368696, 21186955, 16060907, 21642385)

Women's Health and Genetics/Laboratory Corporation of America, LabCorp
Classification: Uncertain significance. Last evaluated: 2023-10-04. Review status: criteria provided, single submitter. Criteria: LabCorp Variant Classification Summary - May 2015. Collection method: clinical testing. Allele origin: germline.
Comment: Variant summary: TSHR c.100G>A (p.Glu34Lys) results in a conservative amino acid change in the encoded protein sequence. Five of five in-silico tools predict a benign effect of the variant on protein function. The variant allele was found at a frequency of 0.00021 in 250254 control chromosomes, predominantly at a frequency of 0.0004 within the Latino subpopulation in the gnomAD database. The available data on variant occurrences in the general population are insufficient to allow any conclusion about variant significance. c.100G>A has been reported in the literature in several individuals affected with hypothyroidism (e.g., Camilot_2005, DeMarco_2009, Lado-Abeal_2011) as well as individuals with Graves disease (e.g., Colobran_2011), congenital heart disease (e.g., Edwards_2020), and hyperthyroidism (e.g., Patel_2019), however without strong evidence for causality in these cases. These reports therefore do not provide unequivocal conclusions about association of the variant with Hypothyroidism Due To TSH Receptor Mutations. At least two publications report experimental evidence evaluating an impact on protein function, finding that the variant results in a modest decrease (approximately >50%-90%) in normal activity (e.g., DeMarco_2009, Lado-Abeal_2011). The following publications have been ascertained in the context of this evaluation (PMID: 16060907, 21642385, 18727713, 32368696, 21186955, 30372544). Six submitters have reported clinical-significance assessments for this variant to ClinVar after 2014. Based on the evidence outlined above, the variant was classified as uncertain significance.

Labcorp Genetics (formerly Invitae), Labcorp
Classification: Uncertain significance. Last evaluated: 2022-06-08. Review status: criteria provided, single submitter. Criteria: Invitae Variant Classification Sherloc (09022015). Collection method: clinical testing. Allele origin: germline.
Comment: This sequence change replaces glutamic acid, which is acidic and polar, with lysine, which is basic and polar, at codon 34 of the TSHR protein (p.Glu34Lys). This variant is present in population databases (rs45499704, gnomAD 0.04%). This missense change has been observed in individual(s) with TSHR-related conditions (PMID: 16060907, 30372544). ClinVar contains an entry for this variant (Variation ID: 886125). Advanced modeling of protein sequence and biophysical properties (such as structural, functional, and spatial information, amino acid conservation, physicochemical variation, residue mobility, and thermodynamic stability) performed at Invitae indicates that this missense variant is not expected to disrupt TSHR protein function. Experimental studies have shown that this missense change affects TSHR function (PMID: 17705697, 18727713). In summary, the available evidence is currently insufficient to determine the role of this variant in disease. Therefore, it has been classified as a Variant of Uncertain Significance.

Mendelics
Classification: Uncertain significance. Last evaluated: 2022-05-04. Review status: criteria provided, single submitter. Criteria: Mendelics Assertion Criteria 2019. Collection method: clinical testing. Allele origin: germline.

Ambry Genetics
Classification: Uncertain significance for Inborn genetic diseases. Last evaluated: 2021-05-24. Review status: criteria provided, single submitter. Criteria: Ambry Variant Classification Scheme 2023. Collection method: clinical testing. Allele origin: germline.

Illumina Laboratory Services, Illumina
Classification: Uncertain significance for Hypothyroidism due to TSH receptor mutations. Last evaluated: 2017-04-27. Review status: criteria provided, single submitter. Criteria: ICSL Variant Classification Criteria 13 December 2019. Collection method: clinical testing. Allele origin: germline.

Illumina Laboratory Services, Illumina
Classification: Benign for Familial hyperthyroidism due to mutations in TSH receptor. Last evaluated: 2017-04-27. Review status: criteria provided, single submitter. Criteria: ICSL Variant Classification Criteria 13 December 2019. Collection method: clinical testing. Allele origin: germline.
Comment: This variant was observed as part of a predisposition screen in an ostensibly healthy population. A literature search was performed for the gene, cDNA change, and amino acid change (where applicable). No publications were found based on this search. Allele frequency data from public databases was too high to be consistent with this variant causing disease. Therefore, this variant is classified as benign.

Clinical Genetics DNA and cytogenetics Diagnostics Lab, Erasmus MC, Erasmus Medical Center
Classification: Uncertain significance. Review status: no assertion criteria provided. Collection method: clinical testing. Allele origin: germline. Affected: yes. Study: VKGL Data-share Consensus. Not counted in ClinVar's aggregate classification.

Clinical Genetics, Academic Medical Center
Classification: Uncertain significance. Review status: no assertion criteria provided. Collection method: clinical testing. Allele origin: germline. Affected: yes. Study: VKGL Data-share Consensus. Not counted in ClinVar's aggregate classification.

Literature cited by the submitters: PubMed 32368696 (cited by Women's Health and Genetics/Laboratory Corporation of America, LabCorp); PubMed 16060907 (cited by Women's Health and Genetics/Laboratory Corporation of America, LabCorp and Labcorp Genetics (formerly Invitae), Labcorp); PubMed 21642385 (cited by Women's Health and Genetics/Laboratory Corporation of America, LabCorp); PubMed 18727713 (cited by 3 submitters); PubMed 21186955 (cited by Women's Health and Genetics/Laboratory Corporation of America, LabCorp and Ambry Genetics); PubMed 30372544 (cited by Women's Health and Genetics/Laboratory Corporation of America, LabCorp and Labcorp Genetics (formerly Invitae), Labcorp); PubMed 17705697 (cited by Labcorp Genetics (formerly Invitae), Labcorp and Ambry Genetics).

NM_000369.5(TSHR):c.100G>A (p.Glu34Lys)

Genes: CEP128 (centrosomal protein 128; minus strand), TSHR (thyroid stimulating hormone receptor; plus strand). Cytogenetic location: 14q31.1.
Variant type: single nucleotide variant.
Coding change: c.100G>A on transcript NM_000369.5 (MANE Select); coding-DNA position 100, G replaced by A.
Protein change: p.Glu34Lys; replaces glutamic acid 34 with lysine.
Molecular consequence: missense variant.
Genome position (GRCh38, 1-based): chr14:80,955,780, G>A. VCF-style: chr14-80955780-G-A. GRCh37 (hg19) VCF-style: chr14-81422124-G-A.
Other names: c.100G>A, p.Glu34Lys (NM_001018036.3, NM_001142626.3); short protein forms E34K.
Identifiers: ClinVar variation 886125 (VCV000886125.16), dbSNP rs45499704, ClinGen allele CA7293987.